The following is an entry in ClinVar:

ClinVar aggregate classification (germline): Uncertain significance (1 of 4 stars; one submission).

Conditions:
Hereditary cancer-predisposing syndrome. Also called: Neoplastic Syndromes, Hereditary; Tumor predisposition; Hereditary neoplastic syndrome; Hereditary Cancer Syndrome. Identifiers: Orphanet 140162, MedGen C0027672, MeSH D009386, MONDO:0015356.

Submission:

Ambry Genetics
Classification: Uncertain significance for Hereditary cancer-predisposing syndrome. Last evaluated: 2019-09-03. Review status: criteria provided, single submitter. Criteria: Ambry Variant Classification Scheme 2023. Collection method: clinical testing. Allele origin: germline.
Comment: The p.K128E variant (also known as c.382A>G), located in coding exon 4 of the SDHA gene, results from an A to G substitution at nucleotide position 382. The lysine at codon 128 is replaced by glutamic acid, an amino acid with similar properties. This amino acid position is highly conserved in available vertebrate species. In addition, this alteration is predicted to be deleterious by in silico analysis. Since supporting evidence is limited at this time, the clinical significance of this alteration remains unclear.

NM_004168.4(SDHA):c.382A>G (p.Lys128Glu)

Gene: SDHA (succinate dehydrogenase complex flavoprotein subunit A; plus strand). Cytogenetic location: 5p15.33.
Variant type: single nucleotide variant.
Coding change: c.382A>G on transcript NM_004168.4 (MANE Select); coding-DNA position 382, A replaced by G.
Protein change: p.Lys128Glu; replaces lysine 128 with glutamic acid.
Molecular consequence: missense variant. On other transcripts: intron variant (1).
Genome position (GRCh38, 1-based): chr5:225,488, A>G. VCF-style: chr5-225488-A-G. GRCh37 (hg19) VCF-style: chr5-225603-A-G.
Other names: c.382A>G, p.Lys128Glu (NM_001330758.2); c.313-395A>G (NM_001294332.2); short protein forms K128E.
Identifiers: ClinVar variation 824270 (VCV000824270.4), dbSNP rs1579384240, ClinGen allele CA359009404.